The following is an entry in ClinVar:

NM_018941.4(CLN8):c.782T>C (p.Val261Ala)

Gene: CLN8 (CLN8 transmembrane ER and ERGIC protein; plus strand). Cytogenetic location: 8p23.3.
Variant type: single nucleotide variant.
Coding change: c.782T>C on transcript NM_018941.4 (MANE Select); coding-DNA position 782, T replaced by C.
Protein change: p.Val261Ala; replaces valine 261 with alanine.
Molecular consequence: missense variant.
Genome position (GRCh38, 1-based): chr8:1,780,488, T>C. VCF-style: chr8-1780488-T-C. GRCh37 (hg19) VCF-style: chr8-1728654-T-C.
Other names: short protein forms V261A.
Identifiers: ClinVar variation 2161147 (VCV002161147.5), dbSNP rs1310195190, ClinGen allele CA369954313.

ClinVar aggregate classification (germline): Conflicting classifications of pathogenicity. Review status: criteria provided, conflicting classifications (1 of 4 stars). 2 submissions from 2 submitters: Likely pathogenic (1); Uncertain significance (1). Last evaluated 2024-10-16.

Conditions:
Neuronal ceroid lipofuscinosis. Also called: Neuronal Ceroid Lipofuscinoses. Identifiers: Orphanet 216, Orphanet 79263, MedGen C0027877, MONDO:0016295. Disease mechanism: loss of function.
Neuronal ceroid lipofuscinosis 8 (CLN8). Also called: CLN8-Related Neuronal Ceroid-Lipofuscinosis. Identifiers: Orphanet 168491, Orphanet 228354, Orphanet 79264, MedGen C1838570, MONDO:0010830, OMIM 600143.
Neuronal ceroid lipofuscinosis 8 northern epilepsy variant. Also called: NORTHERN EPILEPSY; EPILEPSY, PROGRESSIVE, WITH MENTAL RETARDATION. Identifiers: Orphanet 1947, MedGen C1864923, MONDO:0012391, OMIM 610003.

Allele frequency attached by ClinVar (database versions not stated): gnomAD exomes below 0.00001; TOPMed below 0.00001.

Submissions (2):

Labcorp Genetics (formerly Invitae), Labcorp
Classification: Uncertain significance for Neuronal ceroid lipofuscinosis. Last evaluated: 2024-10-16. Review status: criteria provided, single submitter. Criteria: Invitae Variant Classification Sherloc (09022015). Collection method: clinical testing. Allele origin: germline.
Comment: This sequence change replaces valine, which is neutral and non-polar, with alanine, which is neutral and non-polar, at codon 261 of the CLN8 protein (p.Val261Ala). This variant is present in population databases (no rsID available, gnomAD 0.009%). This variant has not been reported in the literature in individuals affected with CLN8-related conditions. ClinVar contains an entry for this variant (Variation ID: 2161147). Invitae Evidence Modeling of protein sequence and biophysical properties (such as structural, functional, and spatial information, amino acid conservation, physicochemical variation, residue mobility, and thermodynamic stability) has been performed for this missense variant. However, the output from this modeling did not meet the statistical confidence thresholds required to predict the impact of this variant on CLN8 protein function. In summary, the available evidence is currently insufficient to determine the role of this variant in disease. Therefore, it has been classified as a Variant of Uncertain Significance.

Bioinformatics Unit, Institut Pasteur de Montevideo
Classification: Likely pathogenic for Neuronal ceroid lipofuscinosis 8 northern epilepsy variant; Neuronal ceroid lipofuscinosis 8. Review status: criteria provided, single submitter. Criteria: ACMG Guidelines, 2015. Collection method: clinical testing. Allele origin: germline. Inheritance: Autosomal recessive inheritance. Affected: yes.
Comment: The data showed two variants in trans within the CLN8 gene. One allele harbors the variant chr8:1728651, C/T (NM_018941:exon3:c.C779T:p.Pro260Leu), which has been reported in heterozygosity in 1000G, ExAC and gnomAD databases in 6, 31 and 78 individuals, respectively, resulting in allele frequencies of 0.00119808, 0.0003 and 0.0007, respectively. Several physico-chemicals in silico scores classified this variant as pathogenic PolyPhen, SIFTSift, MutationTaster, FATHMM and it has a CADD Phred metapredictor value of 21. Conservation scores were all high (LRT, GERP, phyloP). The other allele harbors the variant chr8:1728654, T/C (NM_018941:exon3:c.T782C:p.Val261Ala) that was previously reported in heterozygosity in only 3 individuals in the gnomAD database with a population frequency of 0.00001193. In silico scores are also classifying this variant as deleterious (PolyPhen, Sift, MutationTaster, FATHMM) and its CADD score is 15.65. Additionally, this Val261Ala variant alters the first amino acid of the signal peptide 261-VDWNF-265 of CLN8 protein, which is necessary for its transport from the endoplasmic reticulum to the Golgi apparatus. The Pro260Leu variant, referred to as first, alters the amino acid immediately upstream of this signal sequence, since the two variants are in adjacent codons.